The following is an entry in ClinVar:

ClinVar aggregate classification (germline): Uncertain significance. Review status: criteria provided, multiple submitters, no conflicts (2 of 4 stars). 2 submissions from 2 submitters: Uncertain significance (2). Last evaluated 2025-01-14.

Conditions:
Inborn genetic diseases. Identifiers: MedGen C0950123, MeSH D030342.
Polyhydramnios, megalencephaly, and symptomatic epilepsy (PMSE). Also called: PMSE SYNDROME. Identifiers: Orphanet 500533, MedGen C1970203, MONDO:0012611, OMIM 611087.

Allele frequency attached by ClinVar (database versions not stated): ExAC 0.00002; gnomAD 0.00003; TOPMed 0.00005; ESP Exome Variant Server 0.00015.
gnomAD v4.1: 73 of 1,613,872 alleles (0.0045%); highest among the groups gnomAD compares: Non-Finnish European, 0.0061%; no homozygotes.

Submissions (2):

Ambry Genetics
Classification: Uncertain significance for Inborn genetic diseases. Last evaluated: 2025-01-14. Review status: criteria provided, single submitter. Criteria: Ambry Variant Classification Scheme 2023. Collection method: clinical testing. Allele origin: germline.

Labcorp Genetics (formerly Invitae), Labcorp
Classification: Uncertain significance for Polyhydramnios, megalencephaly, and symptomatic epilepsy. Last evaluated: 2024-09-06. Review status: criteria provided, single submitter. Criteria: Invitae Variant Classification Sherloc (09022015). Collection method: clinical testing. Allele origin: germline.
Comment: This sequence change replaces valine, which is neutral and non-polar, with phenylalanine, which is neutral and non-polar, at codon 58 of the STRADA protein (p.Val58Phe). This variant is present in population databases (rs371845914, gnomAD 0.005%). This variant has not been reported in the literature in individuals affected with STRADA-related conditions. ClinVar contains an entry for this variant (Variation ID: 1061489). An algorithm developed to predict the effect of missense changes on protein structure and function (PolyPhen-2) suggests that this variant is likely to be tolerated. In summary, the available evidence is currently insufficient to determine the role of this variant in disease. Therefore, it has been classified as a Variant of Uncertain Significance.

NM_001003787.4(STRADA):c.172G>T (p.Val58Phe)

Gene: STRADA (STE20 related adaptor alpha; minus strand). Cytogenetic location: 17q23.3.
Variant type: single nucleotide variant.
Coding change: c.172G>T on transcript NM_001003787.4 (MANE Select); coding-DNA position 172, G replaced by T.
Protein change: p.Val58Phe; replaces valine 58 with phenylalanine.
Molecular consequence: missense variant. On other transcripts: 5 prime UTR variant (3), non-coding transcript variant (1), intron variant (1).
Genome position (GRCh38, 1-based): chr17:63,714,060, C>A on the plus strand (G>T on the coding strand, the complement: STRADA is on the minus strand). VCF-style: chr17-63714060-C-A. GRCh37 (hg19) VCF-style: chr17-61791420-C-A.
Other names: c.61G>T, p.Val21Phe (NM_001003786.3, NM_001363789.1, NM_153335.6); c.-3G>T (NM_001003788.3, NM_001363790.1, NM_001363791.1); c.85G>T, p.Val29Phe (NM_001165969.2, NM_001363787.1); c.148G>T, p.Val50Phe (NM_001363786.1); c.172G>T, p.Val58Phe (NM_001363788.1); c.95-533G>T (NM_001165970.2); c.172G>T (NM_001003787.2); short protein forms V21F, V29F, V50F, V58F.
Identifiers: ClinVar variation 1061489 (VCV001061489.10), dbSNP rs371845914, ClinGen allele CA8703473.